The following is an entry in ClinVar:

NM_001082486.2(ACD):c.743G>A (p.Gly248Asp)

Gene: ACD (ACD shelterin complex subunit and telomerase recruitment factor; minus strand). Cytogenetic location: 16q22.1.
Variant type: single nucleotide variant.
Coding change: c.743G>A on transcript NM_001082486.2 (MANE Select); coding-DNA position 743, G replaced by A.
Protein change: p.Gly248Asp; replaces glycine 248 with aspartic acid.
Molecular consequence: missense variant.
Genome position (GRCh38, 1-based): chr16:67,658,641, C>T on the plus strand (G>A on the coding strand, the complement: ACD is on the minus strand). VCF-style: chr16-67658641-C-T. GRCh37 (hg19) VCF-style: chr16-67692544-C-T.
Other names: c.734G>A, p.Gly245Asp (NM_022914.3); short protein forms G248D, G245D.
Identifiers: ClinVar variation 2191136 (VCV002191136.4), dbSNP rs1164847207, ClinGen allele CA396353377.

ClinVar aggregate classification (germline): Uncertain significance (1 of 4 stars; one submission).

Conditions:
Dyskeratosis congenita, autosomal dominant 6 (DKCA6). Identifiers: Orphanet 3322, MedGen C4225284, MONDO:0014690, OMIM 616553.

Submission:

Labcorp Genetics (formerly Invitae), Labcorp
Classification: Uncertain significance for Dyskeratosis congenita, autosomal dominant 6. Last evaluated: 2022-08-15. Review status: criteria provided, single submitter. Criteria: Invitae Variant Classification Sherloc (09022015). Collection method: clinical testing. Allele origin: germline.
Comment: In summary, the available evidence is currently insufficient to determine the role of this variant in disease. Therefore, it has been classified as a Variant of Uncertain Significance. Algorithms developed to predict the effect of missense changes on protein structure and function output the following: SIFT: "Tolerated"; PolyPhen-2: "Benign"; Align-GVGD: "Class C0". The aspartic acid amino acid residue is found in multiple mammalian species, which suggests that this missense change does not adversely affect protein function. This variant has not been reported in the literature in individuals affected with ACD-related conditions. This variant is not present in population databases (gnomAD no frequency). This sequence change replaces glycine, which is neutral and non-polar, with aspartic acid, which is acidic and polar, at codon 334 of the ACD protein (p.Gly334Asp).